The following is an entry in ClinVar:

NM_000138.5(FBN1):c.5440A>G (p.Asn1814Asp)

Gene: FBN1 (fibrillin 1; minus strand). Cytogenetic location: 15q21.1.
Variant type: single nucleotide variant.
Coding change: c.5440A>G on transcript NM_000138.5 (MANE Select); coding-DNA position 5440, A replaced by G.
Protein change: p.Asn1814Asp; replaces asparagine 1814 with aspartic acid.
Molecular consequence: missense variant.
Genome position (GRCh38, 1-based): chr15:48,452,667, T>C on the plus strand (A>G on the coding strand, the complement: FBN1 is on the minus strand). VCF-style: chr15-48452667-T-C. GRCh37 (hg19) VCF-style: chr15-48744864-T-C.
Other names: short protein forms N1814D.
Identifiers: ClinVar variation 1314852 (VCV001314852.3), dbSNP rs1257299340, ClinGen allele CA392344455.

ClinVar aggregate classification (germline): Uncertain significance (1 of 4 stars; one submission).

Allele frequency attached by ClinVar (database versions not stated): gnomAD exomes below 0.00001 and 0.00001.
gnomAD v4.1: 4 of 1,614,202 alleles (0.00025%); highest among the groups gnomAD compares: Middle Eastern, 0.016%; no homozygotes.

Submission:

GeneDx
Classification: Uncertain significance. Last evaluated: 2024-01-22. Review status: criteria provided, single submitter. Criteria: GeneDx Variant Classification Process June 2021. Collection method: clinical testing. Allele origin: germline. Affected: yes.
Comment: Has not been previously published as pathogenic or benign to our knowledge; Not observed at significant frequency in large population cohorts (gnomAD); In silico analysis supports that this missense variant does not alter protein structure/function; Although located in a calcium-binding EGF-like domain of the FBN1 gene, it does not affect a cysteine residue within this domain; cysteine substitutions in the calcium-binding EGF-like domains represent the majority of pathogenic missense changes associated with FBN1-related disorders (PMID: 12938084); This variant is associated with the following publications: (PMID: 12938084)